The following is an entry in ClinVar:

ClinVar aggregate classification (germline): Uncertain significance (1 of 4 stars; one submission).

Conditions:
Axenfeld-Rieger syndrome type 3 (RIEG3). Also called: AXENFELD-RIEGER ANOMALY WITH CARDIAC DEFECTS AND/OR SENSORINEURAL HEARING LOSS. Identifiers: Orphanet 782, MedGen C2678503, MONDO:0011233, OMIM 602482.

Submission:

Labcorp Genetics (formerly Invitae), Labcorp
Classification: Uncertain significance for Axenfeld-Rieger syndrome type 3. Last evaluated: 2023-04-17. Review status: criteria provided, single submitter. Criteria: Invitae Variant Classification Sherloc (09022015). Collection method: clinical testing. Allele origin: germline.
Comment: In summary, the available evidence is currently insufficient to determine the role of this variant in disease. Therefore, it has been classified as a Variant of Uncertain Significance. Experimental studies and prediction algorithms are not available or were not evaluated, and the functional significance of this variant is currently unknown. ClinVar contains an entry for this variant (Variation ID: 1934644). This variant has not been reported in the literature in individuals affected with FOXC1-related conditions. This variant is not present in population databases (gnomAD no frequency). This variant, c.1231_1254del, results in the deletion of 8 amino acid(s) of the FOXC1 protein (p.His411_Gly418del), but otherwise preserves the integrity of the reading frame.

NM_001453.3(FOXC1):c.1231_1254del (p.His411_Gly418del)

Gene: FOXC1 (forkhead box C1; plus strand). Cytogenetic location: 6p25.3.
Variant type: Deletion.
Coding change: c.1231_1254del on transcript NM_001453.3 (MANE Select); coding-DNA positions 1231 to 1254, 24 bases deleted (CACTTGCAGGGCGCGCCCGGGGGC).
Protein change: p.His411_Gly418del.
Molecular consequence: inframe deletion.
Genome position (GRCh38, 1-based): chr6:1,611,676-1,611,699, CACTTGCAGGGCGCGCCCGGGGGC deleted; deleting any 24 consecutive bases within chr6:1,611,669-1,611,699 gives the same sequence; the c. name uses the placement nearest the transcript's 3' end. VCF-style (leftmost placement, unchanged base first): chr6-1611668-GCGGGGGCCACTTGCAGGGCGCGCC-G. GRCh37 (hg19) VCF-style: chr6-1611903-GCGGGGGCCACTTGCAGGGCGCGCC-G.
Identifiers: ClinVar variation 1934644 (VCV001934644.5), dbSNP rs1253031981, ClinGen allele CA565356205.